The following is an entry in ClinVar:

NM_007286.6(SYNPO):c.2435C>T (p.Ser812Leu)

Gene: SYNPO (synaptopodin; plus strand). Cytogenetic location: 5q33.1.
Variant type: single nucleotide variant.
Coding change: c.2435C>T on transcript NM_007286.6 (MANE Select); coding-DNA position 2435, C replaced by T.
Protein change: p.Ser812Leu; replaces serine 812 with leucine.
Molecular consequence: missense variant.
Genome position (GRCh38, 1-based): chr5:150,656,810, C>T. VCF-style: chr5-150656810-C-T. GRCh37 (hg19) VCF-style: chr5-150036372-C-T.
Other names: short protein forms S812L.
Identifiers: ClinVar variation 4763357 (VCV004763357.1).

ClinVar aggregate classification (germline): Uncertain significance (1 of 4 stars; one submission).

gnomAD v4.1: 7 of 1,488,892 alleles (0.00047%); highest among the groups gnomAD compares: East Asian, 0.0027%; no homozygotes.

Submission:

Labcorp Genetics (formerly Invitae), Labcorp
Classification: Uncertain significance. Last evaluated: 2025-04-22. Review status: criteria provided, single submitter. Criteria: Invitae Variant Classification Sherloc (09022015). Collection method: clinical testing. Allele origin: germline.
Comment: This sequence change replaces serine, which is neutral and polar, with leucine, which is neutral and non-polar, at codon 812 of the SYNPO protein (p.Ser812Leu). This variant is not present in population databases (gnomAD no frequency). This variant has not been reported in the literature in individuals affected with SYNPO-related conditions. An algorithm developed to predict the effect of missense changes on protein structure and function (PolyPhen-2) suggests that this variant is likely to be tolerated. In summary, the available evidence is currently insufficient to determine the role of this variant in disease. Therefore, it has been classified as a Variant of Uncertain Significance.